The following is an entry in ClinVar:

ClinVar aggregate classification (germline): Pathogenic (1 of 4 stars; one submission).

Conditions:
Multiple sulfatase deficiency (MSD). Also called: Mucosulfatidosis; Multiple Sulfatase Deficiency Disease; Sulfatidosis, Juvenile, Austin Type. Identifiers: Orphanet 585, MedGen C0268263, MONDO:0010088, OMIM 272200.

Submission:

Myriad Genetics, Inc.
Classification: Pathogenic for Multiple sulfatase deficiency. Last evaluated: 2024-05-14. Review status: criteria provided, single submitter. Criteria: Myriad Autosomal Dominant, Autosomal Recessive and X-Linked Classification Criteria (2023). Collection method: clinical testing. Allele origin: unknown.
Comment: NM_182760.3(SUMF1):c.544_545ins16(P182Lfs*11) is expected to be pathogenic in the context of multiple sulfatase deficiency. This variant is predicted to lead to an abnormal or absent protein product due to the creation of a premature termination codon in SUMF1, a gene where loss-of-function variants are known to be pathogenic. Please note: this variant was assessed in the context of healthy population screening.

NM_182760.4(SUMF1):c.544_545insTGTCTCTTATACACAT (p.Pro182fs)

Gene: SUMF1 (sulfatase modifying factor 1; minus strand). Cytogenetic location: 3p26.1.
Variant type: Insertion.
Coding change: c.544_545insTGTCTCTTATACACAT on transcript NM_182760.4 (MANE Select); coding-DNA positions 544 to 545, TGTCTCTTATACACAT inserted.
Protein change: p.Pro182fs; shifts the reading frame from proline 182.
Molecular consequence: frameshift variant.
Genome position: GRCh38 VCF-style: chr3-4420121-G-GATGTGTATAAGAGACA. GRCh37 (hg19) VCF-style: chr3-4461805-G-GATGTGTATAAGAGACA.
Other names: c.469_470insTGTCTCTTATACACAT, p.Pro157fs (NM_001164674.2); c.544_545insTGTCTCTTATACACAT, p.Pro182fs (NM_001164675.2); short protein forms P157fs, P182fs.
Identifiers: ClinVar variation 5010490 (VCV005010490.1).